The following is an entry in ClinVar:

NM_000235.4(LIPA):c.-1-64G>T

Gene: LIPA (lipase A, lysosomal acid type; minus strand). Cytogenetic location: 10q23.31.
Variant type: single nucleotide variant.
Coding change: c.-1-64G>T on transcript NM_000235.4 (MANE Select); 64 bases into the intron before 1 bases upstream of the start codon, G replaced by T.
Molecular consequence: intron variant.
Genome position (GRCh38, 1-based): chr10:89,247,713, C>A on the plus strand (G>T on the coding strand, the complement: LIPA is on the minus strand). VCF-style: chr10-89247713-C-A. GRCh37 (hg19) VCF-style: chr10-91007470-C-A.
Other names: c.-120+4024G>T (NM_001288979.2); c.-1-64G>T (NM_001127605.3).
Identifiers: ClinVar variation 684268 (VCV000684268.6), dbSNP rs2250781, ClinGen allele CA15630633.
Genomic context (GRCh38, chr10:89,247,713, plus strand): 5'-TATAATAAAACAGTCTATTATTATTTGCTTGAATTTTACTACACAAAAATATTCTGGTAA[C>A]TTAATGCTCCCACAAAAAGTTCTGAACCAGATTTAGGGCAAGTAAAAGGTGAAAGGAAAA-3'

ClinVar aggregate classification (germline): Benign. Review status: criteria provided, multiple submitters, no conflicts (2 of 4 stars). 3 submissions from 3 submitters: Benign (3). Last evaluated 2021-07-10.

Conditions:
Lysosomal acid lipase deficiency. Also called: Acid cholesteryl ester hydrolase deficiency, type 2. Identifiers: Orphanet 275761, MedGen C5574740, MONDO:0800449, MONDO:0010204.

Allele frequency attached by ClinVar (database versions not stated): gnomAD exomes 0.54246; gnomAD 0.58801 and 0.59060; TOPMed 0.59592; 1000 Genomes Project 0.62959; 1000 Genomes Project 30x 0.63070.
gnomAD v4.1: 660,231 of 1,201,396 alleles (55%); highest among the groups gnomAD compares: South Asian, 74%; 184,591 homozygotes.

Submissions (3):

Genome-Nilou Lab
Classification: Benign for Cholesteryl ester storage disease. Last evaluated: 2021-07-10. Review status: criteria provided, single submitter. Criteria: ACMG Guidelines, 2015. Collection method: clinical testing. Allele origin: germline. Affected: no.

GeneDx
Classification: Benign. Last evaluated: 2018-06-19. Review status: criteria provided, single submitter. Criteria: GeneDx Variant Classification (06012015). Collection method: clinical testing. Allele origin: germline. Affected: yes.
Comment: This variant is considered likely benign or benign based on one or more of the following criteria: it is a conservative change, it occurs at a poorly conserved position in the protein, it is predicted to be benign by multiple in silico algorithms, and/or has population frequency not consistent with disease.

Breakthrough Genomics
Classification: Benign. Review status: criteria provided, single submitter. Criteria: ACMG Guidelines, 2015. Collection method: not provided. Allele origin: germline. Inheritance: Autosomal recessive inheritance. Affected: yes.